The following is an entry in ClinVar:

ClinVar aggregate classification (germline): Uncertain significance. Review status: criteria provided, multiple submitters, no conflicts (2 of 4 stars). 2 submissions from 2 submitters: Uncertain significance (2). Last evaluated 2024-05-13.

Conditions:
Inborn genetic diseases. Identifiers: MedGen C0950123, MeSH D030342.
Kabuki syndrome. Also called: NIIKAWA-KUROKI SYNDROME; Kabuki make-up syndrome. Identifiers: Orphanet 2322, MedGen C0796004, MONDO:0016512.

gnomAD v4.1: 2 of 1,613,804 alleles (0.00012%); highest among the groups gnomAD compares: African/African-American, 0.0027%; no homozygotes.

Submissions (2):

Ambry Genetics
Classification: Uncertain significance for Inborn genetic diseases. Last evaluated: 2024-05-13. Review status: criteria provided, single submitter. Criteria: Ambry Variant Classification Scheme 2023. Collection method: clinical testing. Allele origin: germline.

Labcorp Genetics (formerly Invitae), Labcorp
Classification: Uncertain significance for Kabuki syndrome. Last evaluated: 2024-04-09. Review status: criteria provided, single submitter. Criteria: Invitae Variant Classification Sherloc (09022015). Collection method: clinical testing. Allele origin: germline.
Comment: This sequence change replaces glutamine, which is neutral and polar, with arginine, which is basic and polar, at codon 2665 of the KMT2D protein (p.Gln2665Arg). This variant is not present in population databases (gnomAD no frequency). This variant has not been reported in the literature in individuals affected with KMT2D-related conditions. Advanced modeling of protein sequence and biophysical properties (such as structural, functional, and spatial information, amino acid conservation, physicochemical variation, residue mobility, and thermodynamic stability) performed at Invitae indicates that this missense variant is not expected to disrupt KMT2D protein function with a negative predictive value of 95%. In summary, the available evidence is currently insufficient to determine the role of this variant in disease. Therefore, it has been classified as a Variant of Uncertain Significance.

NM_003482.4(KMT2D):c.7994A>G (p.Gln2665Arg)

Gene: KMT2D (lysine methyltransferase 2D; minus strand). Cytogenetic location: 12q13.12.
Variant type: single nucleotide variant.
Coding change: c.7994A>G on transcript NM_003482.4 (MANE Select); coding-DNA position 7994, A replaced by G.
Protein change: p.Gln2665Arg; replaces glutamine 2665 with arginine.
Molecular consequence: missense variant.
Genome position (GRCh38, 1-based): chr12:49,039,776, T>C on the plus strand (A>G on the coding strand, the complement: KMT2D is on the minus strand). VCF-style: chr12-49039776-T-C. GRCh37 (hg19) VCF-style: chr12-49433559-T-C.
Other names: short protein forms Q2665R.
Identifiers: ClinVar variation 3289170 (VCV003289170.3).